The following is an entry in ClinVar:

ClinVar aggregate classification (germline): Uncertain significance (1 of 4 stars; one submission).

gnomAD v4.1: 2 of 1,594,756 alleles (0.00013%); highest among the groups gnomAD compares: Non-Finnish European, 0.00017%; no homozygotes.

Submission:

Labcorp Genetics (formerly Invitae), Labcorp
Classification: Uncertain significance. Last evaluated: 2024-07-19. Review status: criteria provided, single submitter. Criteria: Invitae Variant Classification Sherloc (09022015). Collection method: clinical testing. Allele origin: germline.
Comment: This sequence change replaces aspartic acid, which is acidic and polar, with histidine, which is basic and polar, at codon 75 of the MYO7A protein (p.Asp75His). This variant is not present in population databases (gnomAD no frequency). This missense change has been observed in individual(s) with Usher syndrome (PMID: 24199935). Advanced modeling of protein sequence and biophysical properties (such as structural, functional, and spatial information, amino acid conservation, physicochemical variation, residue mobility, and thermodynamic stability) performed at Invitae indicates that this missense variant is not expected to disrupt MYO7A protein function with a negative predictive value of 95%. In summary, the available evidence is currently insufficient to determine the role of this variant in disease. Therefore, it has been classified as a Variant of Uncertain Significance.

Literature cited by the submitters: PubMed 24199935.

NM_000260.4(MYO7A):c.223G>C (p.Asp75His)

Gene: MYO7A (myosin VIIA; plus strand). Cytogenetic location: 11q13.5.
Variant type: single nucleotide variant.
Coding change: c.223G>C on transcript NM_000260.4 (MANE Select); coding-DNA position 223, G replaced by C.
Protein change: p.Asp75His; replaces aspartic acid 75 with histidine.
Molecular consequence: missense variant.
Genome position (GRCh38, 1-based): chr11:77,147,888, G>C. VCF-style: chr11-77147888-G-C. GRCh37 (hg19) VCF-style: chr11-76858934-G-C.
Other names: c.223G>C, p.Asp75His (NM_001127180.2); c.190G>C, p.Asp64His (NM_001369365.1); short protein forms D75H, D64H.
Identifiers: ClinVar variation 3721072 (VCV003721072.2).